The following is an entry in ClinVar:

NM_001042492.3(NF1):c.2611A>G (p.Ser871Gly)

Gene: NF1 (neurofibromin 1; plus strand). Cytogenetic location: 17q11.2.
Variant type: single nucleotide variant.
Coding change: c.2611A>G on transcript NM_001042492.3 (MANE Select); coding-DNA position 2611, A replaced by G.
Protein change: p.Ser871Gly; replaces serine 871 with glycine.
Molecular consequence: missense variant.
Genome position (GRCh38, 1-based): chr17:31,229,226, A>G. VCF-style: chr17-31229226-A-G. GRCh37 (hg19) VCF-style: chr17-29556244-A-G.
Other names: c.2611A>G, p.Ser871Gly (NM_000267.4); short protein forms S871G.
Identifiers: ClinVar variation 938584 (VCV000938584.9), dbSNP rs2067069318, ClinGen allele CA398984469.

ClinVar aggregate classification (germline): Uncertain significance. Review status: criteria provided, multiple submitters, no conflicts (2 of 4 stars). 2 submissions from 2 submitters: Uncertain significance (2). Last evaluated 2021-09-10.

Conditions:
Neurofibromatosis, type 1 (NF1). Also called: Peripheral type neurofibromatosis; VON RECKLINGHAUSEN DISEASE; Neurofibromatosis, type I; NEUROFIBROMATOSIS, TYPE I, SOMATIC. Identifiers: Orphanet 636, MedGen C0027831, MONDO:0018975, OMIM 162200. Disease mechanism: loss of function.
Hereditary cancer-predisposing syndrome. Also called: Tumor predisposition; Hereditary neoplastic syndrome; Neoplastic Syndromes, Hereditary; Hereditary Cancer Syndrome. Identifiers: Orphanet 140162, MedGen C0027672, MeSH D009386, MONDO:0015356.
Cardiovascular phenotype. Identifiers: MedGen CN230736.

Submissions (2):

Labcorp Genetics (formerly Invitae), Labcorp
Classification: Uncertain significance for Neurofibromatosis, type 1. Last evaluated: 2021-09-10. Review status: criteria provided, single submitter. Criteria: Invitae Variant Classification Sherloc (09022015). Collection method: clinical testing. Allele origin: germline.
Comment: This sequence change replaces serine with glycine at codon 871 of the NF1 protein (p.Ser871Gly). The serine residue is moderately conserved and there is a small physicochemical difference between serine and glycine. This variant is not present in population databases (ExAC no frequency). This variant has not been reported in the literature in individuals affected with NF1-related conditions. Algorithms developed to predict the effect of missense changes on protein structure and function (SIFT, PolyPhen-2, Align-GVGD) all suggest that this variant is likely to be tolerated. In summary, the available evidence is currently insufficient to determine the role of this variant in disease. Therefore, it has been classified as a Variant of Uncertain Significance.

Ambry Genetics
Classification: Uncertain significance for Cardiovascular phenotype; Hereditary cancer-predisposing syndrome. Last evaluated: 2021-08-15. Review status: criteria provided, single submitter. Criteria: Ambry Variant Classification Scheme 2023. Collection method: clinical testing. Allele origin: germline.
Comment: The p.S871G variant (also known as c.2611A>G), located in coding exon 21 of the NF1 gene, results from an A to G substitution at nucleotide position 2611. The serine at codon 871 is replaced by glycine, an amino acid with similar properties. This amino acid position is not well conserved in available vertebrate species. In addition, this alteration is predicted to be tolerated by in silico analysis. Since supporting evidence is limited at this time, the clinical significance of this alteration remains unclear.